The following is an entry in ClinVar:

ClinVar aggregate classification (germline): Likely benign. Review status: criteria provided, multiple submitters, no conflicts (2 of 4 stars). 5 submissions from 5 submitters: Likely benign (5). Last evaluated 2026-08-08.

Conditions:
Cardiomyopathy (CMYO). Also called: Cardiomyopathies. Identifiers: Orphanet 167848, MedGen C0878544, MONDO:0004994, HP:0001638. Inheritance: Various modes of inheritance.
Cardiovascular phenotype. Identifiers: MedGen CN230736.
Catecholaminergic polymorphic ventricular tachycardia (CVPT). Also called: Catecholamine-induced polymorphic ventricular tachycardia. Identifiers: Orphanet 3286, MedGen C5574922, MONDO:0017990.
Catecholaminergic polymorphic ventricular tachycardia 1. Also called: VENTRICULAR TACHYCARDIA, CATECHOLAMINERGIC POLYMORPHIC, 1, WITH OR WITHOUT ATRIAL DYSFUNCTION AND/OR DILATED CARDIOMYOPATHY; RYR2-Related Catecholaminergic Polymorphic Ventricular Tachycardia; VENTRICULAR TACHYCARDIA, STRESS-INDUCED POLYMORPHIC 1. Identifiers: Orphanet 3286, MedGen C1631597, MONDO:0011484, OMIM 604772.

Allele frequency attached by ClinVar (database versions not stated): gnomAD exomes below 0.00001; gnomAD 0.00001; TOPMed 0.00001.
gnomAD v4.1: 7 of 1,613,446 alleles (0.00043%); highest among the groups gnomAD compares: South Asian, 0.0011%; no homozygotes.

Submissions (5):

Ambry Genetics
Classification: Likely benign for Cardiovascular phenotype. Last evaluated: 2026-08-08. Review status: criteria provided, single submitter. Criteria: Ambry Variant Classification Scheme 2023. Collection method: clinical testing. Allele origin: germline.

Labcorp Genetics (formerly Invitae), Labcorp
Classification: Likely benign for Catecholaminergic polymorphic ventricular tachycardia 1. Last evaluated: 2024-07-08. Review status: criteria provided, single submitter. Criteria: Invitae Variant Classification Sherloc (09022015). Collection method: clinical testing. Allele origin: germline.

All of Us Research Program, National Institutes of Health
Classification: Likely benign for Catecholaminergic polymorphic ventricular tachycardia. Last evaluated: 2023-08-08. Review status: criteria provided, single submitter. Criteria: ACMG Guidelines, 2015. Collection method: clinical testing. Allele origin: germline. Inheritance: Autosomal dominant inheritance. Observed: 3 variant alleles, 3 heterozygotes.
Comment: This study involves interpretation of variants in research participants for the purpose of population health screening. Participant phenotype was not available at the time of variant classification. Additional details can be found in publication PMID: 35346344, PMCID: PMC8962531

Color Diagnostics, LLC DBA Color Health
Classification: Likely benign for Cardiomyopathy. Last evaluated: 2019-09-23. Review status: criteria provided, single submitter. Criteria: ACMG Guidelines, 2015. Collection method: clinical testing. Allele origin: germline.

GeneDx
Classification: Likely benign. Last evaluated: 2017-07-20. Review status: criteria provided, single submitter. Criteria: GeneDx Variant Classification (06012015). Collection method: clinical testing. Allele origin: germline. Affected: yes.
Comment: This variant is considered likely benign or benign based on one or more of the following criteria: it is a conservative change, it occurs at a poorly conserved position in the protein, it is predicted to be benign by multiple in silico algorithms, and/or has population frequency not consistent with disease.

NM_001035.3(RYR2):c.171T>C (p.Asn57=)

Gene: RYR2 (ryanodine receptor 2; plus strand). Cytogenetic location: 1q43.
Variant type: single nucleotide variant.
Coding change: c.171T>C on transcript NM_001035.3 (MANE Select); coding-DNA position 171, T replaced by C.
Protein change: p.Asn57=; no amino-acid change (asparagine 57 retained).
Molecular consequence: synonymous variant.
Genome position (GRCh38, 1-based): chr1:237,330,880, T>C. VCF-style: chr1-237330880-T-C. GRCh37 (hg19) VCF-style: chr1-237494180-T-C.
Other names: c.171T>C, p.Asn57= (LRG_402t1).
Identifiers: ClinVar variation 510901 (VCV000510901.15), dbSNP rs1355336223, ClinGen allele CA423861496.
Genomic context (GRCh38, chr1:237,330,880, plus strand): 5'-TGGGTCTGGATGCTTGATGAAGATGATGCTGCTGACTGCTCTTCCTCTTTCTGTGCAGAA[T>C]GTGCCCCCAGACCTCTCCATCTGCACCTTTGTGCTGGAGCAGTCCCTCTCTGTCCGGGCG-3'
Protein context (NP_001026.2, residues 47-67): CFLESTSNSK[Asn57=]VPPDLSICTF